The following is an entry in ClinVar:

NM_139058.3(ARX):c.125G>T (p.Arg42Leu)

Gene: ARX (aristaless related homeobox; minus strand). Cytogenetic location: Xp21.3.
Variant type: single nucleotide variant.
Coding change: c.125G>T on transcript NM_139058.3 (MANE Select); coding-DNA position 125, G replaced by T.
Protein change: p.Arg42Leu; replaces arginine 42 with leucine.
Molecular consequence: missense variant.
Genome position (GRCh38, 1-based): chrX:25,015,613, C>A on the plus strand (G>T on the coding strand, the complement: ARX is on the minus strand). VCF-style: chrX-25015613-C-A. GRCh37 (hg19) VCF-style: chrX-25033730-C-A.
Other names: short protein forms R42L.
Identifiers: ClinVar variation 3392684 (VCV003392684.1).

ClinVar aggregate classification (germline): Uncertain significance (1 of 4 stars; one submission).

Submission:

GeneDx
Classification: Uncertain significance. Last evaluated: 2024-06-28. Review status: criteria provided, single submitter. Criteria: GeneDx Variant Classification Process June 2021. Collection method: clinical testing. Allele origin: germline. Affected: yes.
Comment: Not observed at significant frequency in large population cohorts (gnomAD); In silico analysis supports that this missense variant has a deleterious effect on protein structure/function; Has not been previously published as pathogenic or benign to our knowledge